The following is an entry in ClinVar:

ClinVar aggregate classification (germline): Conflicting classifications of pathogenicity. Review status: criteria provided, conflicting classifications (1 of 4 stars). 7 submissions from 7 submitters: Uncertain significance (6); Likely benign (1). Last evaluated 2025-11-10.

Conditions:
Hereditary breast ovarian cancer syndrome. Also called: BRCA1- and BRCA2-Associated Hereditary Breast and Ovarian Cancer; Hereditary breast and ovarian cancer syndrome; Hereditary breast and/or ovarian cancer syndrome; Hereditary breast and ovarian cancer syndrome (HBOC); Hereditary breast and ovarian cancer; Breast and ovarian cancer. Identifiers: Orphanet 145, MedGen C0677776, MeSH D061325, MONDO:0003582. Disease mechanism: loss of function.
Breast-ovarian cancer, familial, susceptibility to, 2 (BROVCA2). Also called: BRCA2 Hereditary Breast and Ovarian Cancer. Identifiers: Orphanet 145, MedGen C2675520, MONDO:0012933, OMIM 612555. Disease mechanism: loss of function.
Hereditary cancer-predisposing syndrome. Also called: Hereditary neoplastic syndrome; Neoplastic Syndromes, Hereditary; Hereditary Cancer Syndrome; Tumor predisposition. Identifiers: Orphanet 140162, MedGen C0027672, MeSH D009386, MONDO:0015356.

Allele frequency attached by ClinVar (database versions not stated): ExAC 0.00001.

Submissions (7):

Labcorp Genetics (formerly Invitae), Labcorp
Classification: Uncertain significance for Hereditary breast ovarian cancer syndrome. Last evaluated: 2025-11-10. Review status: criteria provided, single submitter. Criteria: Invitae Variant Classification Sherloc (09022015). Collection method: clinical testing. Allele origin: germline.
Comment: This sequence change replaces glutamic acid, which is acidic and polar, with glycine, which is neutral and non-polar, at codon 1665 of the BRCA2 protein (p.Glu1665Gly). This variant is present in population databases (rs777981245, gnomAD 0.0009%). This missense change has been observed in individual(s) with breast cancer (PMID: 30199306). ClinVar contains an entry for this variant (Variation ID: 462363). Invitae Evidence Modeling of protein sequence and biophysical properties (such as structural, functional, and spatial information, amino acid conservation, physicochemical variation, residue mobility, and thermodynamic stability) indicates that this missense variant is not expected to disrupt BRCA2 protein function with a negative predictive value of 95%. In summary, the available evidence is currently insufficient to determine the role of this variant in disease. Therefore, it has been classified as a Variant of Uncertain Significance.

Ambry Genetics
Classification: Uncertain significance for Hereditary cancer-predisposing syndrome. Last evaluated: 2025-03-18. Review status: criteria provided, single submitter. Criteria: Ambry Variant Classification Scheme 2023. Collection method: clinical testing. Allele origin: germline.
Comment: The p.E1665G variant (also known as c.4994A>G), located in coding exon 10 of the BRCA2 gene, results from an A to G substitution at nucleotide position 4994. The glutamic acid at codon 1665 is replaced by glycine, an amino acid with similar properties. This alteration was identified in an individual diagnosed with breast cancer (Abulkhair O et al. J Glob Oncol, 2018 08;4:1-9). This amino acid position is not well conserved in available vertebrate species. In addition, this alteration is predicted to be tolerated by in silico analysis. Since supporting evidence is limited at this time, the clinical significance of this alteration remains unclear.

Blueprint Genetics
Classification: Uncertain significance. Last evaluated: 2024-05-31. Review status: criteria provided, single submitter. Criteria: ACMG Guidelines, 2015. Collection method: clinical testing. Allele origin: germline.

KCCC/NGS Laboratory, Kuwait Cancer Control Center
Classification: Uncertain significance for Breast-ovarian cancer, familial, susceptibility to, 2. Last evaluated: 2023-06-06. Review status: criteria provided, single submitter. Criteria: ACMG Guidelines, 2015. Collection method: clinical testing. Allele origin: germline. Affected: yes.
Comment: This sequence change replaces Glutamic acid with Glycine at codon 1665 of th BRCA2 protein (p.Glu1665Gly ) also known as c.4994A>G, which located in coding exon 11 of the BRCA2 gene(NM_000059.3), results from a A to G substitution at nucleotide position 4994. This amino acid position is not highly conserved. This variant is not present in population databases ( Database of Single Nucleotide Polymorphisms (dbSNP), NHLBI Exome Sequencing Project (ESP), 1000 Genomes Project and gnomAD). ClinVar contains an entry for this variant (Variation ID: 462363). Several computational methods predict this alteration to be benign based on seven benign predictions from (BayesDel_addAF, DANN, EIGEN, FATHMM-MKL, MutationTaster, PrimateAI and PolyPhen ) vs three pathogenic predictions from (M-CAP , MVP and SIFT). In summary, the available evidence is currently insufficient to determine the role of this variant in disease. Therefore, it has been classified as a Variant of Uncertain Significance.

University of Washington Department of Laboratory Medicine, University of Washington
Classification: Likely benign for Hereditary cancer-predisposing syndrome. Last evaluated: 2023-03-23. Review status: criteria provided, single submitter. Criteria: Dines et al. (Genet Med. 2020). Collection method: curation. Allele origin: germline.
Comment: Missense variant in a coldspot region where missense variants are very unlikely to be pathogenic (PMID:31911673).

BRCA2 exon 11 coldspot. Reclassification based on statistical prior probability.

Quest Diagnostics Nichols Institute San Juan Capistrano
Classification: Uncertain significance. Last evaluated: 2021-04-13. Review status: criteria provided, single submitter. Criteria: Quest Diagnostics criteria. Collection method: clinical testing. Allele origin: unknown.

Color Diagnostics, LLC DBA Color Health
Classification: Uncertain significance for Hereditary cancer-predisposing syndrome. Last evaluated: 2019-05-29. Review status: criteria provided, single submitter. Criteria: ACMG Guidelines, 2015. Collection method: clinical testing. Allele origin: germline.

Literature cited by the submitters: PubMed 30199306 (cited by 3 submitters).

NM_000059.4(BRCA2):c.4994A>G (p.Glu1665Gly)

Gene: BRCA2 (BRCA2 DNA repair associated; plus strand). Cytogenetic location: 13q13.1.
Variant type: single nucleotide variant.
Coding change: c.4994A>G on transcript NM_000059.4 (MANE Select); coding-DNA position 4994, A replaced by G.
Protein change: p.Glu1665Gly; replaces glutamic acid 1665 with glycine.
Molecular consequence: missense variant.
Genome position (GRCh38, 1-based): chr13:32,339,349, A>G. VCF-style: chr13-32339349-A-G. GRCh37 (hg19) VCF-style: chr13-32913486-A-G.
Other names: short protein forms E1665G.
Identifiers: ClinVar variation 462363 (VCV000462363.23), dbSNP rs777981245, ClinGen allele CA6940837.